The following is an entry in ClinVar:

ClinVar aggregate classification (germline): Uncertain significance (1 of 4 stars; one submission).

Submission:

Labcorp Genetics (formerly Invitae), Labcorp
Classification: Uncertain significance. Last evaluated: 2023-07-29. Review status: criteria provided, single submitter. Criteria: Invitae Variant Classification Sherloc (09022015). Collection method: clinical testing. Allele origin: germline.
Comment: This variant has not been reported in the literature in individuals affected with ATRN-related conditions. This variant is not present in population databases (gnomAD no frequency). This sequence change affects codon 116 of the ATRN mRNA. It is a 'silent' change, meaning that it does not change the encoded amino acid sequence of the ATRN protein. Algorithms developed to predict the effect of sequence changes on RNA splicing suggest that this variant may create or strengthen a splice site. In summary, the available evidence is currently insufficient to determine the role of this variant in disease. Therefore, it has been classified as a Variant of Uncertain Significance.

NM_139321.3(ATRN):c.348C>T (p.Gly116=)

Gene: ATRN (attractin; plus strand). Cytogenetic location: 20p13.
Variant type: single nucleotide variant.
Coding change: c.348C>T on transcript NM_139321.3 (MANE Select); coding-DNA position 348, C replaced by T.
Protein change: p.Gly116=; no amino-acid change (glycine 116 retained).
Molecular consequence: synonymous variant. On other transcripts: intron variant (1).
Genome position (GRCh38, 1-based): chr20:3,471,455, C>T. VCF-style: chr20-3471455-C-T. GRCh37 (hg19) VCF-style: chr20-3452102-C-T.
Other names: c.348C>T, p.Gly116= (NM_001323332.2, NM_139322.4); c.62+321C>T (NM_001207047.3).
Identifiers: ClinVar variation 2986292 (VCV002986292.3), dbSNP rs1219198471, ClinGen allele CA509477526.